The following is an entry in ClinVar:

ClinVar aggregate classification (germline): Benign/Likely benign. Review status: criteria provided, multiple submitters, no conflicts (2 of 4 stars). 2 submissions from 2 submitters: Benign (1); Likely benign (1). Last evaluated 2022-08-01.

Allele frequency attached by ClinVar (database versions not stated): gnomAD exomes 0.00033; ExAC 0.00042; 1000 Genomes Project 0.00100; gnomAD 0.00117 and 0.00125; ESP Exome Variant Server 0.00127; TOPMed 0.00129; 1000 Genomes Project 30x 0.00141.
gnomAD v4.1: 398 of 1,612,668 alleles (0.025%); highest among the groups gnomAD compares: African/African-American, 0.43%; no homozygotes.

Submissions (2):

CeGaT Center for Human Genetics Tuebingen
Classification: Likely benign. Last evaluated: 2022-08-01. Review status: criteria provided, single submitter. Criteria: CeGaT Center For Human Genetics Tuebingen Variant Classification Criteria Version 2. Collection method: clinical testing. Allele origin: germline. Affected: yes. Observed: 1 variant allele.
Comment: ABCC1: BP4, BP7

Labcorp Genetics (formerly Invitae), Labcorp
Classification: Benign. Last evaluated: 2018-06-29. Review status: criteria provided, single submitter. Criteria: Invitae Variant Classification Sherloc (09022015). Collection method: clinical testing. Allele origin: germline.

NM_004996.4(ABCC1):c.2286C>T (p.Gly762=)

Gene: ABCC1 (ATP binding cassette subfamily C member 1 (ABCC1 blood group); plus strand). Cytogenetic location: 16p13.11.
Variant type: single nucleotide variant.
Coding change: c.2286C>T on transcript NM_004996.4 (MANE Select); coding-DNA position 2286, C replaced by T.
Protein change: p.Gly762=; no amino-acid change (glycine 762 retained).
Molecular consequence: synonymous variant.
Genome position (GRCh38, 1-based): chr16:16,083,536, C>T. VCF-style: chr16-16083536-C-T. GRCh37 (hg19) VCF-style: chr16-16177393-C-T.
Identifiers: ClinVar variation 715982 (VCV000715982.33), dbSNP rs201247127, ClinGen allele CA7924225.